The following is an entry in ClinVar:

ClinVar aggregate classification (germline): Uncertain significance (1 of 4 stars; one submission).

Allele frequency attached by ClinVar (database versions not stated): gnomAD exomes below 0.00001; gnomAD 0.00001; TOPMed 0.00001.
gnomAD v4.1: 3 of 1,613,176 alleles (0.00019%); highest among the groups gnomAD compares: Non-Finnish European, 0.00017%; no homozygotes.

Submission:

Labcorp Genetics (formerly Invitae), Labcorp
Classification: Uncertain significance. Last evaluated: 2023-10-13. Review status: criteria provided, single submitter. Criteria: Invitae Variant Classification Sherloc (09022015). Collection method: clinical testing. Allele origin: germline.
Comment: This sequence change replaces glutamic acid, which is acidic and polar, with lysine, which is basic and polar, at codon 400 of the DLL4 protein (p.Glu400Lys). This variant is not present in population databases (gnomAD no frequency). This variant has not been reported in the literature in individuals affected with DLL4-related conditions. Advanced modeling of protein sequence and biophysical properties (such as structural, functional, and spatial information, amino acid conservation, physicochemical variation, residue mobility, and thermodynamic stability) has been performed at Invitae for this missense variant, however the output from this modeling did not meet the statistical confidence thresholds required to predict the impact of this variant on DLL4 protein function. In summary, the available evidence is currently insufficient to determine the role of this variant in disease. Therefore, it has been classified as a Variant of Uncertain Significance.

NM_019074.4(DLL4):c.1198G>A (p.Glu400Lys)

Gene: DLL4 (delta like canonical Notch ligand 4; plus strand). Cytogenetic location: 15q15.1.
Variant type: single nucleotide variant.
Coding change: c.1198G>A on transcript NM_019074.4 (MANE Select); coding-DNA position 1198, G replaced by A.
Protein change: p.Glu400Lys; replaces glutamic acid 400 with lysine.
Molecular consequence: missense variant.
Genome position (GRCh38, 1-based): chr15:40,935,075, G>A. VCF-style: chr15-40935075-G-A. GRCh37 (hg19) VCF-style: chr15-41227273-G-A.
Other names: short protein forms E400K.
Identifiers: ClinVar variation 2913295 (VCV002913295.3), dbSNP rs1892824424, ClinGen allele CA391779162.
Genomic context (GRCh38, chr15:40,935,075, plus strand): 5'-CGCAACCAGGGGGCCAACTATGCTTGTGAATGTCCCCCCAACTTCACCGGCTCCAACTGC[G>A]AGAAGAAAGTGGACAGGTGCACCAGCAACCCCTGTGCCAACGGTGCGTGCTGCTGCCCTG-3'
Protein context (NP_061947.1, residues 390-410): CPPNFTGSNC[Glu400Lys]KKVDRCTSNP